The following is an entry in ClinVar:

NM_015509.4(NECAP1):c.95+3A>T

Genes: NECAP1 (NECAP endocytosis associated 1; plus strand), LOC126861440 (MED14-independent group 3 enhancer GRCh37_chr12:8234132-8235331; plus strand). Cytogenetic location: 12p13.31.
Variant type: single nucleotide variant.
Coding change: c.95+3A>T on transcript NM_015509.4 (MANE Select); 3 bases into the intron after coding-DNA position 95, A replaced by T.
Molecular consequence: intron variant.
Genome position (GRCh38, 1-based): chr12:8,082,386, A>T. VCF-style: chr12-8082386-A-T. GRCh37 (hg19) VCF-style: chr12-8234982-A-T.
Identifiers: ClinVar variation 2162382 (VCV002162382.1), dbSNP rs748163611, ClinGen allele CA6432146.
Genomic context (GRCh38, chr12:8,082,386, plus strand): 5'-TGAAGCCAGACGTCAGCGTCTACCGGATTCCGCCCCGGGCCTCCAACCGCGGTTACAGGT[A>T]CTAACCCCGAGGCGCTGCCGCACACGCGTACTCTGTCGCAGATGACAGCTTCCTTCTCAG-3'

ClinVar aggregate classification (germline): Uncertain significance (1 of 4 stars; one submission).

Conditions:
Developmental and epileptic encephalopathy, 21 (DEE21). Also called: Early infantile epileptic encephalopathy 21. Identifiers: Orphanet 442835, MedGen C4014430, MONDO:0014360, OMIM 615833.

Allele frequency attached by ClinVar (database versions not stated): TOPMed 0.00002; 1000 Genomes Project 30x 0.00016; 1000 Genomes Project 0.00020.
gnomAD v4.1: 36 of 1,613,060 alleles (0.0022%); highest among the groups gnomAD compares: South Asian, 0.031%; no homozygotes.

Submission:

Labcorp Genetics (formerly Invitae), Labcorp
Classification: Uncertain significance for Developmental and epileptic encephalopathy, 21. Last evaluated: 2022-05-25. Review status: criteria provided, single submitter. Criteria: Invitae Variant Classification Sherloc (09022015). Collection method: clinical testing. Allele origin: germline.
Comment: This sequence change falls in intron 1 of the NECAP1 gene. It does not directly change the encoded amino acid sequence of the NECAP1 protein. It affects a nucleotide within the consensus splice site. This variant is present in population databases (rs748163611, gnomAD 0.04%). This variant has not been reported in the literature in individuals affected with NECAP1-related conditions. Variants that disrupt the consensus splice site are a relatively common cause of aberrant splicing (PMID: 17576681, 9536098). Algorithms developed to predict the effect of sequence changes on RNA splicing suggest that this variant may create or strengthen a splice site. In summary, the available evidence is currently insufficient to determine the role of this variant in disease. Therefore, it has been classified as a Variant of Uncertain Significance.

Literature cited by the submitters: PubMed 17576681; PubMed 9536098.